The following is an entry in ClinVar:

NM_001267550.2(TTN):c.30231A>G (p.Pro10077=)

Gene: TTN (titin; minus strand). Cytogenetic location: 2q31.2.
Variant type: single nucleotide variant.
Coding change: c.30231A>G on transcript NM_001267550.2 (MANE Select); coding-DNA position 30231, A replaced by G.
Protein change: p.Pro10077=; no amino-acid change (proline 10077 retained).
Molecular consequence: synonymous variant. On other transcripts: intron variant (3).
Genome position (GRCh38, 1-based): chr2:178,702,656, T>C on the plus strand (A>G on the coding strand, the complement: TTN is on the minus strand). VCF-style: chr2-178702656-T-C. GRCh37 (hg19) VCF-style: chr2-179567383-T-C.
Other names: p.P9760P:CCA>CCG; p.Pro8833=; c.29280A>G, p.Pro9760= (NM_001256850.1); c.26499A>G, p.Pro8833= (NM_133378.4); c.13282+35426A>G (NM_003319.4); c.13858+35426A>G (NM_133437.4); c.13657+35426A>G (NM_133432.3).
Identifiers: ClinVar variation 46831 (VCV000046831.67), dbSNP rs74324101, ClinGen allele CA283067.

ClinVar aggregate classification (germline): Conflicting classifications of pathogenicity. Review status: criteria provided, conflicting classifications (1 of 4 stars). 16 submissions from 12 submitters: Uncertain significance (2); Benign (11); Likely benign (3). Last evaluated 2026-02-03.

Conditions:
Dilated cardiomyopathy 1G (CMD1G). Identifiers: Orphanet 154, MedGen C1858763, MONDO:0011400, OMIM 604145.
Autosomal recessive limb-girdle muscular dystrophy type 2J (LGMDR10). Also called: Limb-girdle muscular dystrophy, type 2J; MUSCULAR DYSTROPHY, LIMB-GIRDLE, AUTOSOMAL RECESSIVE 10. Identifiers: Orphanet 140922, MedGen C1837342, MONDO:0012127, OMIM 608807.
Cardiomyopathy (CMYO). Also called: Cardiomyopathies. Identifiers: Orphanet 167848, MedGen C0878544, MONDO:0004994, HP:0001638. Inheritance: Various modes of inheritance.
Early-onset myopathy with fatal cardiomyopathy (CMYO5). Also called: Salih Myopathy; CONGENITAL MYOPATHY 5 WITH CARDIOMYOPATHY. Identifiers: Orphanet 289377, MedGen C2673677, MONDO:0012714, OMIM 611705. Disease mechanism: loss of function.
Myopathy, myofibrillar, 9, with early respiratory failure (MFM9). Also called: Hereditary myopathy with early respiratory failure; Myopathy, distal, with early respiratory failure, autosomal dominant; EDSTROM MYOPATHY; MYOPATHY, PROXIMAL, WITH EARLY RESPIRATORY MUSCLE INVOLVEMENT. Identifiers: Orphanet 178464, Orphanet 34521, MedGen C1863599, MONDO:0011362, OMIM 603689.
Tibial muscular dystrophy (TMD). Also called: Udd Distal Myopathy – Tibial Muscular Dystrophy; Tibial muscular dystrophy, tardive; UDD MYOPATHY. Identifiers: Orphanet 609, MedGen C1838244, MONDO:0010870, OMIM 600334.

Allele frequency attached by ClinVar (database versions not stated): gnomAD exomes 0.00075; ExAC 0.00077; gnomAD 0.00285 and 0.00310; ESP Exome Variant Server 0.00297; TOPMed 0.00312; 1000 Genomes Project 0.00339; 1000 Genomes Project 30x 0.00406.
gnomAD v4.1: 842 of 1,612,452 alleles (0.052%); highest among the groups gnomAD compares: African/African-American, 0.94%; 6 homozygotes.

Submissions (16):

Labcorp Genetics (formerly Invitae), Labcorp
Classification: Benign for Dilated cardiomyopathy 1G; Autosomal recessive limb-girdle muscular dystrophy type 2J. Last evaluated: 2026-02-03. Review status: criteria provided, single submitter. Criteria: Invitae Variant Classification Sherloc (09022015). Collection method: clinical testing. Allele origin: germline.

Molecular Diagnostic Laboratory for Inherited Cardiovascular Disease, Montreal Heart Institute
Classification: Benign. Last evaluated: 2025-04-09. Review status: criteria provided, single submitter. Criteria: ACMG Guidelines, 2015. Collection method: clinical testing. Allele origin: germline. Affected: no.

Mayo Clinic Laboratories, Mayo Clinic
Classification: Benign. Last evaluated: 2025-03-05. Review status: criteria provided, single submitter. Criteria: ACMG Guidelines, 2015. Collection method: clinical testing. Allele origin: germline. Observed: 8 variant alleles.
Comment: BS1, BS2, BP4, BP7

Blueprint Genetics
Classification: Likely benign. Last evaluated: 2024-10-24. Review status: criteria provided, single submitter. Criteria: ACMG Guidelines, 2015. Collection method: clinical testing. Allele origin: germline.

CeGaT Center for Human Genetics Tuebingen
Classification: Likely benign. Last evaluated: 2024-04-01. Review status: criteria provided, single submitter. Criteria: CeGaT Center For Human Genetics Tuebingen Variant Classification Criteria Version 2. Collection method: clinical testing. Allele origin: germline. Affected: yes. Observed: 4 variant alleles.
Comment: TTN: BP4, BP7

CHEO Genetics Diagnostic Laboratory, Children's Hospital of Eastern Ontario
Classification: Benign for Cardiomyopathy. Last evaluated: 2022-12-08. Review status: criteria provided, single submitter. Criteria: ACMG Guidelines, 2015. Collection method: clinical testing. Allele origin: germline.

ARUP Laboratories, Molecular Genetics and Genomics, ARUP Laboratories
Classification: Benign. Last evaluated: 2020-10-20. Review status: criteria provided, single submitter. Criteria: ARUP Molecular Germline Variant Investigation Process 2021. Collection method: clinical testing. Allele origin: germline.

Women's Health and Genetics/Laboratory Corporation of America, LabCorp
Classification: Benign. Last evaluated: 2019-11-16. Review status: criteria provided, single submitter. Criteria: LabCorp Variant Classification Summary - May 2015. Collection method: clinical testing. Allele origin: germline.

Illumina Laboratory Services, Illumina
Classification: Benign for Myopathy, myofibrillar, 9, with early respiratory failure. Last evaluated: 2018-01-13. Review status: criteria provided, single submitter. Criteria: ICSL Variant Classification Criteria 13 December 2019. Collection method: clinical testing. Allele origin: germline.
Comment: This variant was observed in the ICSL laboratory as part of a predisposition screen in an ostensibly healthy population. It had not been previously curated by ICSL or reported in the Human Gene Mutation Database (HGMD: prior to June 1st, 2018), and was therefore a candidate for classification through an automated scoring system. Utilizing variant allele frequency, disease prevalence and penetrance estimates, and inheritance mode, an automated score was calculated to assess if this variant is too frequent to cause the disease. Based on the score and internal cut-off values, a variant classified as benign is not then subjected to further curation. The score for this variant resulted in a classification of benign for this disease.

Illumina Laboratory Services, Illumina
Classification: Benign for Tibial muscular dystrophy. Last evaluated: 2018-01-13. Review status: criteria provided, single submitter. Criteria: ICSL Variant Classification Criteria 13 December 2019. Collection method: clinical testing. Allele origin: germline.
Comment: the same text as in the submission from Illumina Laboratory Services, Illumina above.

Illumina Laboratory Services, Illumina
Classification: Likely benign for Dilated cardiomyopathy 1G. Last evaluated: 2018-01-13. Review status: criteria provided, single submitter. Criteria: ICSL Variant Classification Criteria 13 December 2019. Collection method: clinical testing. Allele origin: germline.
Comment: This variant was observed in the ICSL laboratory as part of a predisposition screen in an ostensibly healthy population. It had not been previously curated by ICSL or reported in the Human Gene Mutation Database (HGMD: prior to June 1st, 2018), and was therefore a candidate for classification through an automated scoring system. Utilizing variant allele frequency, disease prevalence and penetrance estimates, and inheritance mode, an automated score was calculated to assess if this variant is too frequent to cause the disease. Based on the score and internal cut-off values, a variant classified as likely benign is not then subjected to further curation. The score for this variant resulted in a classification of likely benign for this disease.

Illumina Laboratory Services, Illumina
Classification: Uncertain significance for Autosomal recessive limb-girdle muscular dystrophy type 2J. Last evaluated: 2018-01-13. Review status: criteria provided, single submitter. Criteria: ICSL Variant Classification Criteria 13 December 2019. Collection method: clinical testing. Allele origin: germline.

Illumina Laboratory Services, Illumina
Classification: Uncertain significance for Early-onset myopathy with fatal cardiomyopathy. Last evaluated: 2018-01-13. Review status: criteria provided, single submitter. Criteria: ICSL Variant Classification Criteria 13 December 2019. Collection method: clinical testing. Allele origin: germline.

Eurofins Ntd Llc (ga)
Classification: Benign. Last evaluated: 2014-12-16. Review status: criteria provided, single submitter. Criteria: EGL Classification Definitions 2015. Collection method: clinical testing. Allele origin: germline. Observed: 1 variant allele, 1 heterozygote.

GeneDx
Classification: Benign. Last evaluated: 2014-04-20. Review status: criteria provided, single submitter. Criteria: GeneDx Variant Classification (06012015). Collection method: clinical testing. Allele origin: germline. Affected: yes.
Comment: This variant is considered likely benign or benign based on one or more of the following criteria: it is a conservative change, it occurs at a poorly conserved position in the protein, it is predicted to be benign by multiple in silico algorithms, and/or has population frequency not consistent with disease.

Laboratory for Molecular Medicine, Mass General Brigham Personalized Medicine
Classification: Benign. Last evaluated: 2012-04-04. Review status: criteria provided, single submitter. Criteria: LMM Criteria. Collection method: clinical testing. Allele origin: germline. Observed: 7 variant alleles.
Comment: Pro8833Pro in Exon 104 of TTN: This variant is not expected to have clinical sig nificance because it does not alter an amino acid residue, is not located within the splice consensus sequence and has been identified in 1.0% (33/3166) of Afri can American chromosomes from a broad population by the NHLBI Exome Sequencing P roject (dbSNP rs74324101).